The following is an entry in ClinVar:

NM_000257.4(MYH7):c.4591A>G (p.Lys1531Glu)

Genes: MHRT (myosin heavy chain associated RNA transcript; plus strand), MYH7 (myosin heavy chain 7; minus strand). Cytogenetic location: 14q11.2.
Variant type: single nucleotide variant.
Coding change: c.4591A>G on transcript NM_000257.4 (MANE Select); coding-DNA position 4591, A replaced by G.
Protein change: p.Lys1531Glu; replaces lysine 1531 with glutamic acid.
Molecular consequence: missense variant. On other transcripts: non-coding transcript variant (1).
Genome position (GRCh38, 1-based): chr14:23,416,921, T>C on the plus strand (A>G on the coding strand, the complement: MYH7 is on the minus strand). VCF-style: chr14-23416921-T-C. GRCh37 (hg19) VCF-style: chr14-23886130-T-C.
Other names: c.4591A>G, p.Lys1531Glu (NM_001407004.1); short protein forms K1531E.
Identifiers: ClinVar variation 4528007 (VCV004528007.1).

ClinVar aggregate classification (germline): Uncertain significance (1 of 4 stars; one submission).

Submission:

GeneDx
Classification: Uncertain significance. Last evaluated: 2025-05-02. Review status: criteria provided, single submitter. Criteria: GeneDx Variant Classification Process June 2021. Collection method: clinical testing. Allele origin: germline. Affected: yes.
Comment: Not observed at significant frequency in large population cohorts (gnomAD); In silico analysis supports that this missense variant has a deleterious effect on protein structure/function; Has not been previously published as pathogenic or benign to our knowledge